The following is an entry in ClinVar:

NM_000195.5(HPS1):c.487G>A (p.Glu163Lys)

Gene: HPS1 (HPS1 biogenesis of lysosomal organelles complex 3 subunit 1; minus strand). Cytogenetic location: 10q24.2.
Variant type: single nucleotide variant.
Coding change: c.487G>A on transcript NM_000195.5 (MANE Select); coding-DNA position 487, G replaced by A.
Protein change: p.Glu163Lys; replaces glutamic acid 163 with lysine.
Molecular consequence: missense variant. On other transcripts: 5 prime UTR variant (3).
Genome position (GRCh38, 1-based): chr10:98,434,003, C>T on the plus strand (G>A on the coding strand, the complement: HPS1 is on the minus strand). VCF-style: chr10-98434003-C-T. GRCh37 (hg19) VCF-style: chr10-100193760-C-T.
Other names: c.-430G>A (NM_001311345.2, NM_001322489.2); c.487G>A, p.Glu163Lys (NM_001322476.2, NM_001322477.2, NM_001322478.2 and 5 more transcripts); c.344G>A, p.Gly115Glu (NM_001322480.2, NM_001322481.2, NM_001322482.2); c.118G>A, p.Glu40Lys (NM_001322483.2, NM_001322484.2, NM_001322485.2); c.-529G>A (NM_001322487.2); short protein forms E163K, E40K, G115E.
Identifiers: ClinVar variation 2152707 (VCV002152707.1), dbSNP rs866348644, ClinGen allele CA378053838.

ClinVar aggregate classification (germline): Uncertain significance (1 of 4 stars; one submission).

Allele frequency attached by ClinVar (database versions not stated): TOPMed below 0.00001.
gnomAD v4.1: 7 of 1,558,934 alleles (0.00045%); highest among the groups gnomAD compares: Non-Finnish European, 0.00061%; no homozygotes.

Submission:

Labcorp Genetics (formerly Invitae), Labcorp
Classification: Uncertain significance. Last evaluated: 2022-06-07. Review status: criteria provided, single submitter. Criteria: Invitae Variant Classification Sherloc (09022015). Collection method: clinical testing. Allele origin: germline.
Comment: This sequence change replaces glutamic acid, which is acidic and polar, with lysine, which is basic and polar, at codon 163 of the HPS1 protein (p.Glu163Lys). This variant is not present in population databases (gnomAD no frequency). This variant has not been reported in the literature in individuals affected with HPS1-related conditions. Algorithms developed to predict the effect of missense changes on protein structure and function are either unavailable or do not agree on the potential impact of this missense change (SIFT: "Deleterious"; PolyPhen-2: "Probably Damaging"; Align-GVGD: "Class C0"). In summary, the available evidence is currently insufficient to determine the role of this variant in disease. Therefore, it has been classified as a Variant of Uncertain Significance.